The following is an entry in ClinVar:

NM_001080517.3(SETD5):c.3853C>G (p.Pro1285Ala)

Gene: SETD5 (SET domain containing 5; plus strand). Cytogenetic location: 3p25.3.
Variant type: single nucleotide variant.
Coding change: c.3853C>G on transcript NM_001080517.3 (MANE Select); coding-DNA position 3853, C replaced by G.
Protein change: p.Pro1285Ala; replaces proline 1285 with alanine.
Molecular consequence: missense variant.
Genome position (GRCh38, 1-based): chr3:9,475,615, C>G. VCF-style: chr3-9475615-C-G. GRCh37 (hg19) VCF-style: chr3-9517299-C-G.
Other names: c.3853C>G (NM_001080517.1, NM_001080517.2); c.3559C>G, p.Pro1187Ala (NM_001292043.2, NM_001349451.2); short protein forms P1187A, P1285A.
Identifiers: ClinVar variation 2069306 (VCV002069306.7), dbSNP rs372152804, ClinGen allele CA2239815.

ClinVar aggregate classification (germline): Conflicting classifications of pathogenicity. Review status: criteria provided, conflicting classifications (1 of 4 stars). 3 submissions from 3 submitters: Uncertain significance (2); Likely benign (1). Last evaluated 2025-11-17.

Conditions:
Inborn genetic diseases. Identifiers: MedGen C0950123, MeSH D030342.
SETD5-related disorder. Also called: SETD5-related disorders; SETD5-related condition.

gnomAD v4.1: 72 of 1,613,842 alleles (0.0045%); highest among the groups gnomAD compares: South Asian, 0.013%; no homozygotes.

Submissions (3):

Labcorp Genetics (formerly Invitae), Labcorp
Classification: Uncertain significance. Last evaluated: 2025-11-17. Review status: criteria provided, single submitter. Criteria: Invitae Variant Classification Sherloc (09022015). Collection method: clinical testing. Allele origin: germline.
Comment: This sequence change replaces proline, which is neutral and non-polar, with alanine, which is neutral and non-polar, at codon 1285 of the SETD5 protein (p.Pro1285Ala). This variant is present in population databases (rs372152804, gnomAD 0.009%), and has an allele count higher than expected for a pathogenic variant. This variant has not been reported in the literature in individuals affected with SETD5-related conditions. ClinVar contains an entry for this variant (Variation ID: 2069306). Invitae Evidence Modeling of protein sequence and biophysical properties (such as structural, functional, and spatial information, amino acid conservation, physicochemical variation, residue mobility, and thermodynamic stability) indicates that this missense variant is not expected to disrupt SETD5 protein function with a negative predictive value of 80%. In summary, the available evidence is currently insufficient to determine the role of this variant in disease. Therefore, it has been classified as a Variant of Uncertain Significance.

Ambry Genetics
Classification: Likely benign for Inborn genetic diseases. Last evaluated: 2023-05-02. Review status: criteria provided, single submitter. Criteria: Ambry Variant Classification Scheme 2023. Collection method: clinical testing. Allele origin: germline.

PreventionGenetics, part of Exact Sciences
Classification: Uncertain significance for SETD5-related condition. Last evaluated: 2022-10-21. Review status: criteria provided, single submitter. Criteria: ACMG Guidelines, 2015. Collection method: clinical testing. Allele origin: germline.
Comment: The SETD5 c.3853C>G variant is predicted to result in the amino acid substitution p.Pro1285Ala. To our knowledge, this variant has not been reported in the literature. This variant is reported in 0.0078% of alleles in individuals of European (Non-Finnish) descent in gnomAD. At this time, the clinical significance of this variant is uncertain due to the absence of conclusive functional and genetic evidence.